The following is an entry in ClinVar:

NM_025144.4(ALPK1):c.160G>A (p.Ala54Thr)

Gene: ALPK1 (alpha kinase 1; plus strand). Cytogenetic location: 4q25.
Variant type: single nucleotide variant.
Coding change: c.160G>A on transcript NM_025144.4 (MANE Select); coding-DNA position 160, G replaced by A.
Protein change: p.Ala54Thr; replaces alanine 54 with threonine.
Molecular consequence: missense variant. On other transcripts: intron variant (1).
Genome position (GRCh38, 1-based): chr4:112,382,436, G>A. VCF-style: chr4-112382436-G-A. GRCh37 (hg19) VCF-style: chr4-113303592-G-A.
Other names: c.160G>A, p.Ala54Thr (NM_001102406.2); c.42+4538G>A (NM_001253884.2); short protein forms A54T.
Identifiers: ClinVar variation 1940360 (VCV001940360.4), dbSNP rs751762758, ClinGen allele CA3046276.

ClinVar aggregate classification (germline): Uncertain significance (1 of 4 stars; one submission).

Allele frequency attached by ClinVar (database versions not stated): gnomAD 0.00001; ExAC 0.00003; gnomAD exomes 0.00003.
gnomAD v4.1: 42 of 1,613,964 alleles (0.0026%); highest among the groups gnomAD compares: South Asian, 0.031%; no homozygotes.

Submission:

Labcorp Genetics (formerly Invitae), Labcorp
Classification: Uncertain significance. Last evaluated: 2024-10-21. Review status: criteria provided, single submitter. Criteria: Invitae Variant Classification Sherloc (09022015). Collection method: clinical testing. Allele origin: germline.
Comment: This sequence change replaces alanine, which is neutral and non-polar, with threonine, which is neutral and polar, at codon 54 of the ALPK1 protein (p.Ala54Thr). This variant is present in population databases (rs751762758, gnomAD 0.02%). This variant has not been reported in the literature in individuals affected with ALPK1-related conditions. ClinVar contains an entry for this variant (Variation ID: 1940360). Invitae Evidence Modeling of protein sequence and biophysical properties (such as structural, functional, and spatial information, amino acid conservation, physicochemical variation, residue mobility, and thermodynamic stability) indicates that this missense variant is expected to disrupt ALPK1 protein function with a positive predictive value of 80%. In summary, the available evidence is currently insufficient to determine the role of this variant in disease. Therefore, it has been classified as a Variant of Uncertain Significance.